The following is an entry in ClinVar:

ClinVar aggregate classification (germline): Uncertain significance (1 of 4 stars; one submission).

Submission:

Labcorp Genetics (formerly Invitae), Labcorp
Classification: Uncertain significance. Last evaluated: 2025-05-27. Review status: criteria provided, single submitter. Criteria: Invitae Variant Classification Sherloc (09022015). Collection method: clinical testing. Allele origin: germline.
Comment: This sequence change replaces glycine, which is neutral and non-polar, with arginine, which is basic and polar, at codon 189 of the AP2M1 protein (p.Gly189Arg). This variant also falls at the last nucleotide of exon 6, which is part of the consensus splice site for this exon. This variant is not present in population databases (gnomAD no frequency). This variant has not been reported in the literature in individuals affected with AP2M1-related conditions. An algorithm developed to predict the effect of missense changes on protein structure and function (PolyPhen-2) suggests that this variant is likely to be disruptive. Variants that disrupt the consensus splice site are a relatively common cause of aberrant splicing (PMID: 17576681, 9536098). Algorithms developed to predict the effect of sequence changes on RNA splicing suggest that this variant may disrupt the consensus splice site. In summary, the available evidence is currently insufficient to determine the role of this variant in disease. Therefore, it has been classified as a Variant of Uncertain Significance.

Literature cited by the submitters: PubMed 17576681; PubMed 9536098.

NM_004068.4(AP2M1):c.565G>C (p.Gly189Arg)

Gene: AP2M1 (adaptor related protein complex 2 subunit mu 1; plus strand). Cytogenetic location: 3q27.1.
Variant type: single nucleotide variant.
Coding change: c.565G>C on transcript NM_004068.4 (MANE Select); coding-DNA position 565, G replaced by C.
Protein change: p.Gly189Arg; replaces glycine 189 with arginine.
Molecular consequence: missense variant.
Genome position (GRCh38, 1-based): chr3:184,180,984, G>C. VCF-style: chr3-184180984-G-C. GRCh37 (hg19) VCF-style: chr3-183898772-G-C.
Other names: c.559G>C, p.Gly187Arg (NM_001025205.2); c.640G>C, p.Gly214Arg (NM_001311198.2); short protein forms G189R, G187R, G214R.
Identifiers: ClinVar variation 4720309 (VCV004720309.1).